The following is an entry in ClinVar:

ClinVar aggregate classification (germline): Uncertain significance (1 of 4 stars; one submission).

Conditions:
Cardiovascular phenotype. Identifiers: MedGen CN230736.
Hereditary cancer-predisposing syndrome. Also called: Neoplastic Syndromes, Hereditary; Tumor predisposition; Hereditary Cancer Syndrome; Hereditary neoplastic syndrome. Identifiers: Orphanet 140162, MedGen C0027672, MeSH D009386, MONDO:0015356.

Submission:

Ambry Genetics
Classification: Uncertain significance for Cardiovascular phenotype; Hereditary cancer-predisposing syndrome. Last evaluated: 2025-09-25. Review status: criteria provided, single submitter. Criteria: Ambry Variant Classification Scheme 2023. Collection method: clinical testing. Allele origin: germline.
Comment: The p.P1819S variant (also known as c.5455C>T), located in coding exon 37 of the NF1 gene, results from a C to T substitution at nucleotide position 5455. The proline at codon 1819 is replaced by serine, an amino acid with similar properties. This amino acid position is highly conserved in available vertebrate species. In addition, this alteration is predicted to be deleterious by in silico analysis. Based on the available evidence, the clinical significance of this variant remains unclear.

NM_001042492.3(NF1):c.5518C>T (p.Pro1840Ser)

Gene: NF1 (neurofibromin 1; plus strand). Cytogenetic location: 17q11.2.
Variant type: single nucleotide variant.
Coding change: c.5518C>T on transcript NM_001042492.3 (MANE Select); coding-DNA position 5518, C replaced by T.
Protein change: p.Pro1840Ser; replaces proline 1840 with serine.
Molecular consequence: missense variant.
Genome position (GRCh38, 1-based): chr17:31,327,748, C>T. VCF-style: chr17-31327748-C-T. GRCh37 (hg19) VCF-style: chr17-29654766-C-T.
Other names: c.5455C>T, p.Pro1819Ser (NM_000267.4); short protein forms P1819S, P1840S.
Identifiers: ClinVar variation 4615730 (VCV004615730.1).